The following is an entry in ClinVar:

NM_001128840.3(CACNA1D):c.4970C>T (p.Ala1657Val)

Gene: CACNA1D (calcium voltage-gated channel subunit alpha1 D; plus strand). Cytogenetic location: 3p21.1.
Variant type: single nucleotide variant.
Coding change: c.4970C>T on transcript NM_001128840.3 (MANE Select); coding-DNA position 4970, C replaced by T.
Protein change: p.Ala1657Val; replaces alanine 1657 with valine.
Molecular consequence: missense variant.
Genome position (GRCh38, 1-based): chr3:53,800,295, C>T. VCF-style: chr3-53800295-C-T. GRCh37 (hg19) VCF-style: chr3-53834322-C-T.
Other names: c.5030C>T, p.Ala1677Val (NM_000720.4); c.4925C>T, p.Ala1642Val (NM_001128839.3); short protein forms A1642V, A1657V, A1677V.
Identifiers: ClinVar variation 2429564 (VCV002429564.1), dbSNP rs2474456406, ClinGen allele CA353249584.

ClinVar aggregate classification (germline): Uncertain significance (1 of 4 stars; one submission).

Submission:

GeneDx
Classification: Uncertain significance. Last evaluated: 2022-08-10. Review status: criteria provided, single submitter. Criteria: GeneDx Variant Classification Process June 2021. Collection method: clinical testing. Allele origin: germline. Affected: yes.
Comment: Not observed at significant frequency in large population cohorts (gnomAD); In silico analysis supports that this missense variant has a deleterious effect on protein structure/function; Has not been previously published as pathogenic or benign to our knowledge